The following is an entry in ClinVar:

ClinVar aggregate classification (germline): Uncertain significance (1 of 4 stars; one submission).

Allele frequency attached by ClinVar (database versions not stated): gnomAD exomes 0.00001.
gnomAD v4.1: 4 of 1,614,228 alleles (0.00025%); highest among the groups gnomAD compares: Admixed American, 0.005%; no homozygotes.

Submission:

Labcorp Genetics (formerly Invitae), Labcorp
Classification: Uncertain significance. Last evaluated: 2022-07-05. Review status: criteria provided, single submitter. Criteria: Invitae Variant Classification Sherloc (09022015). Collection method: clinical testing. Allele origin: germline.
Comment: Algorithms developed to predict the effect of missense changes on protein structure and function output the following: SIFT: "Tolerated"; PolyPhen-2: "Benign"; Align-GVGD: "Class C0". The serine amino acid residue is found in multiple mammalian species, which suggests that this missense change does not adversely affect protein function. In summary, the available evidence is currently insufficient to determine the role of this variant in disease. Therefore, it has been classified as a Variant of Uncertain Significance. ClinVar contains an entry for this variant (Variation ID: 1467474). This variant has not been reported in the literature in individuals affected with ACBD5-related conditions. This variant is not present in population databases (gnomAD no frequency). This sequence change replaces asparagine, which is neutral and polar, with serine, which is neutral and polar, at codon 377 of the ACBD5 protein (p.Asn377Ser).

NM_145698.5(ACBD5):c.1130A>G (p.Asn377Ser)

Gene: ACBD5 (acyl-CoA binding domain containing 5; minus strand). Cytogenetic location: 10p12.1.
Variant type: single nucleotide variant.
Coding change: c.1130A>G on transcript NM_145698.5 (MANE Select); coding-DNA position 1130, A replaced by G.
Protein change: p.Asn377Ser; replaces asparagine 377 with serine.
Molecular consequence: missense variant.
Genome position (GRCh38, 1-based): chr10:27,210,888, T>C on the plus strand (A>G on the coding strand, the complement: ACBD5 is on the minus strand). VCF-style: chr10-27210888-T-C. GRCh37 (hg19) VCF-style: chr10-27499817-T-C.
Other names: c.1058A>G, p.Asn353Ser (NM_001352574.2, NM_001352575.2, NM_001352576.2); c.1025A>G, p.Asn342Ser (NM_001352577.2, NM_001352578.2, NM_001352579.2 and 1 more transcripts); c.971A>G, p.Asn324Ser (NM_001352580.2); c.959A>G, p.Asn320Ser (NM_001352581.1); c.821A>G, p.Asn274Ser (NM_001352582.2); c.803A>G, p.Asn268Ser (NM_001352583.1, NM_001301251.2, NM_001301252.2 and 2 more transcripts); c.1124A>G, p.Asn375Ser (NM_001271512.3); c.599A>G, p.Asn200Ser (NM_001301254.2); and 10 more; short protein forms N268S, N274S, N377S, N200S, N279S, N307S, N320S, N324S.
Identifiers: ClinVar variation 1467474 (VCV001467474.6), dbSNP rs2137060162, ClinGen allele CA376373823.